The following is an entry in ClinVar:

ClinVar aggregate classification (germline): Uncertain significance. Review status: criteria provided, multiple submitters, no conflicts (2 of 4 stars). 3 submissions from 3 submitters: Uncertain significance (3). Last evaluated 2026-04-20.

Submissions (3):

Women's Health and Genetics/Laboratory Corporation of America, LabCorp
Classification: Uncertain significance. Last evaluated: 2026-04-20. Review status: criteria provided, single submitter. Criteria: LabCorp Variant Classification Summary - May 2015. Collection method: clinical testing. Allele origin: germline.
Comment: Variant summary: AEBP1 c.1219C>T (p.Arg407Cys) results in a non-conservative amino acid change in the encoded protein sequence. Algorithms developed to predict the effect of missense changes on protein structure and function all suggest that this variant is likely to be disruptive. The variant allele was found at a frequency of 2e-05 in 250378 control chromosomes. The available data on variant occurrences in the general population are insufficient to allow any conclusion about variant significance. To our knowledge, no occurrence of c.1219C>T in individuals affected with AEBP1-related conditions and no experimental evidence demonstrating its impact on protein function have been reported. ClinVar contains an entry for this variant (Variation ID: 3360521). Based on the evidence outlined above, the variant was classified as uncertain significance.

GeneDx
Classification: Uncertain significance. Last evaluated: 2025-09-29. Review status: criteria provided, single submitter. Criteria: GeneDx Variant Classification Process June 2021. Collection method: clinical testing. Allele origin: germline.
Comment: Not observed at significant frequency in large population cohorts (gnomAD); In silico analysis supports that this missense variant has a deleterious effect on protein structure/function; Has not been previously published as pathogenic or benign to our knowledge

Mayo Clinic Laboratories, Mayo Clinic
Classification: Uncertain significance. Last evaluated: 2025-01-29. Review status: criteria provided, single submitter. Criteria: ACMG Guidelines, 2015. Collection method: clinical testing. Allele origin: germline. Observed: 1 variant allele.
Comment: PP3

NM_001129.5(AEBP1):c.1219C>T (p.Arg407Cys)

Gene: AEBP1 (AE binding protein 1; plus strand). Cytogenetic location: 7p13.
Variant type: single nucleotide variant.
Coding change: c.1219C>T on transcript NM_001129.5 (MANE Select); coding-DNA position 1219, C replaced by T.
Protein change: p.Arg407Cys; replaces arginine 407 with cysteine.
Molecular consequence: missense variant.
Genome position (GRCh38, 1-based): chr7:44,110,083, C>T. VCF-style: chr7-44110083-C-T. GRCh37 (hg19) VCF-style: chr7-44149682-C-T.
Other names: p.Arg407Cys; short protein forms R407C.
Identifiers: ClinVar variation 3360521 (VCV003360521.4).